The following is an entry in ClinVar:

ClinVar aggregate classification (germline): Pathogenic. Review status: criteria provided, multiple submitters, no conflicts (2 of 4 stars). 7 submissions from 7 submitters: Pathogenic (5). 2 of the submissions do not count toward it. Last evaluated 2025-11-13.

Conditions:
AIRE-related disorder. Also called: AIRE-related condition.
Polyglandular autoimmune syndrome, type 1 (APS1). Also called: HYPOADRENOCORTICISM WITH HYPOPARATHYROIDISM AND SUPERFICIAL MONILIASIS; Whitaker syndrome; Autoimmune polyendocrinopathy syndrome, type I; AUTOIMMUNE POLYENDOCRINE SYNDROME, TYPE I, WITH OR WITHOUT REVERSIBLE METAPHYSEAL DYSPLASIA; Autoimmune polyendocrinopathy syndrome , type I, with or without reversible metaphyseal dysplasia; APS I. Identifiers: Orphanet 3453, MedGen C0085859, MONDO:0009411, OMIM 240300.

Allele frequency attached by ClinVar (database versions not stated): TOPMed 0.00001.
gnomAD v4.1: 10 of 1,540,734 alleles (0.00065%); highest among the groups gnomAD compares: South Asian, 0.0012%; no homozygotes.

Submissions (7):

Natera, Inc.
Classification: Pathogenic for Polyglandular autoimmune syndrome type 1. Last evaluated: 2025-11-13. Review status: criteria provided, single submitter. Criteria: Natera Variant Classification Schema (03/2026). Collection method: clinical testing. Allele origin: germline.
Comment: The c.47C>T variant in AIRE is a missense variant predicted to cause substitution of threonine to methionine at amino acid 16. This variant is rare in the general population with a frequency below the threshold expected for the associated phenotype(s). This variant has been observed in one or more individuals affected with the associated recessive disease, as either homozygous or compound heterozygous with a second variant (PMID: 34194389, 33247909). Computational prediction algorithms indicate this variant is likely to affect gene or protein function. Given the available evidence, this variant is classified as Pathogenic.

Labcorp Genetics (formerly Invitae), Labcorp
Classification: Pathogenic for Polyglandular autoimmune syndrome, type 1. Last evaluated: 2024-01-02. Review status: criteria provided, single submitter. Criteria: Invitae Variant Classification Sherloc (09022015). Collection method: clinical testing. Allele origin: germline.
Comment: This sequence change replaces threonine, which is neutral and polar, with methionine, which is neutral and non-polar, at codon 16 of the AIRE protein (p.Thr16Met). This variant is not present in population databases (gnomAD no frequency). This missense change has been observed in individual(s) with autosomal recessive autoimmune polyendocrinopathy with candidiasis and ectodermal dysplasia (PMID: 11524733, 21932610, 25361846, 28911151). In at least one individual the data is consistent with being in trans (on the opposite chromosome) from a pathogenic variant. ClinVar contains an entry for this variant (Variation ID: 68227). Advanced modeling of protein sequence and biophysical properties (such as structural, functional, and spatial information, amino acid conservation, physicochemical variation, residue mobility, and thermodynamic stability) performed at Invitae indicates that this missense variant is expected to disrupt AIRE protein function with a positive predictive value of 95%. Experimental studies have shown that this missense change affects AIRE function (PMID: 14974083). For these reasons, this variant has been classified as Pathogenic.

National Institute of Allergy and Infectious Diseases - Centralized Sequencing Program, National Institutes of Health
Classification: Pathogenic for APECED. Last evaluated: 2023-09-14. Review status: criteria provided, single submitter. Criteria: ACMG Guidelines, 2015. Collection method: clinical testing. Allele origin: germline. Affected: yes.

Fulgent Genetics
Classification: Pathogenic for Polyglandular autoimmune syndrome, type 1. Last evaluated: 2021-08-11. Review status: criteria provided, single submitter. Criteria: ACMG Guidelines, 2015. Collection method: clinical testing. Allele origin: unknown.

Revvity Omics, Revvity
Classification: Pathogenic for Polyglandular autoimmune syndrome, type 1. Last evaluated: 2020-12-14. Review status: criteria provided, single submitter. Criteria: ACMG Guidelines, 2015. Collection method: clinical testing. Allele origin: germline.

PreventionGenetics, part of Exact Sciences
Classification: Pathogenic for AIRE-related condition. Last evaluated: 2024-04-17. Review status: no assertion criteria provided. Collection method: clinical testing. Allele origin: germline. Not counted in ClinVar's aggregate classification.
Comment: The AIRE c.47C>T variant is predicted to result in the amino acid substitution p.Thr16Met. This variant has been reported in the homozygous and compound heterozygous states in multiple individuals with autoimmune polyendocrinopathy syndrome (Table 1, Cihakova et al. 2001. PubMed ID: 11524733; Table 2, Podkrajsek et al. 2005. PubMed ID: 15886230; Table 1, Kollios et al. 2011. PubMed ID: 21932610). This variant has not been reported in a large population database, indicating this variant is rare. An in vitro experimental study suggests this variant disrupts the homomultimerization of the protein (Figure 5, Halonen et al. 2004. PubMed ID: 14974083). This variant is interpreted as pathogenic.

UniProtKB/Swiss-Prot
No classification provided. Review status: no classification provided. Collection method: not provided. Allele origin: not provided. Not counted in ClinVar's aggregate classification.

Literature cited by the submitters: PubMed 34194389 (cited by Natera, Inc.); PubMed 33247909 (cited by Natera, Inc.); PubMed 11524733 (cited by Labcorp Genetics (formerly Invitae), Labcorp and National Institute of Allergy and Infectious Diseases - Centralized Sequencing Program, National Institutes of Health); PubMed 21932610 (cited by Labcorp Genetics (formerly Invitae), Labcorp and National Institute of Allergy and Infectious Diseases - Centralized Sequencing Program, National Institutes of Health); PubMed 25361846 (cited by Labcorp Genetics (formerly Invitae), Labcorp); PubMed 28911151 (cited by Labcorp Genetics (formerly Invitae), Labcorp and National Institute of Allergy and Infectious Diseases - Centralized Sequencing Program, National Institutes of Health); PubMed 14974083 (cited by Labcorp Genetics (formerly Invitae), Labcorp); PubMed 32888943 (cited by National Institute of Allergy and Infectious Diseases - Centralized Sequencing Program, National Institutes of Health); PubMed 35482138 (cited by National Institute of Allergy and Infectious Diseases - Centralized Sequencing Program, National Institutes of Health).

NM_000383.4(AIRE):c.47C>T (p.Thr16Met)

Gene: AIRE (autoimmune regulator; plus strand). Cytogenetic location: 21q22.3.
Variant type: single nucleotide variant.
Coding change: c.47C>T on transcript NM_000383.4 (MANE Select); coding-DNA position 47, C replaced by T.
Protein change: p.Thr16Met; replaces threonine 16 with methionine.
Molecular consequence: missense variant.
Genome position (GRCh38, 1-based): chr21:44,286,053, C>T. VCF-style: chr21-44286053-C-T. GRCh37 (hg19) VCF-style: chr21-45705936-C-T.
Other names: c.47C>T (LRG_18t1); short protein forms T16M.
Identifiers: ClinVar variation 68227 (VCV000068227.20), dbSNP rs179363877, ClinGen allele CA219209.